The following continues an entry in ClinVar:

NM_000059.4(BRCA2):c.7057G>C (p.Gly2353Arg)

Gene: BRCA2. ClinVar aggregate classification (germline): Benign. Benign (1).

Submissions 18 to 26 of 26:

ITMI
No classification provided. Condition: AllHighlyPenetrant. Last evaluated: 2013-09-19. Review status: no classification provided. Collection method: reference population. Allele origin: germline. Not counted in ClinVar's aggregate classification.
Comment: Please see associated publication for description of ethnicities

Foulkes Cancer Genetics LDI, Lady Davis Institute for Medical Research
Classification: Uncertain significance for Breast and/or ovarian cancer. Last evaluated: 2012-05-10. Review status: no assertion criteria provided. Collection method: clinical testing. Allele origin: germline. Study: The Canadian Open Genetics Repository (COGR). Not counted in ClinVar's aggregate classification.

Sharing Clinical Reports Project (SCRP)
Classification: Benign for Breast-ovarian cancer, familial 2. Last evaluated: 2011-02-25. Review status: no assertion criteria provided. Collection method: clinical testing. Allele origin: germline. Not counted in ClinVar's aggregate classification.

Breast Cancer Information Core (BIC) (BRCA2)
Classification: Uncertain significance for Breast-ovarian cancer, familial 2. Last evaluated: 2002-05-29. Review status: no assertion criteria provided. Collection method: clinical testing. Allele origin: germline. Affected: yes. Observed: 19 variant alleles. Not counted in ClinVar's aggregate classification.

Clinical Genetics DNA and cytogenetics Diagnostics Lab, Erasmus MC, Erasmus Medical Center
Classification: Likely benign. Review status: no assertion criteria provided. Collection method: clinical testing. Allele origin: germline. Affected: yes. Study: VKGL Data-share Consensus. Not counted in ClinVar's aggregate classification.

Clinical Genetics Laboratory, Department of Pathology, Netherlands Cancer Institute
Classification: Benign. Review status: no assertion criteria provided. Collection method: clinical testing. Allele origin: germline. Affected: yes. Study: VKGL Data-share Consensus. Not counted in ClinVar's aggregate classification.

Department of Pathology and Laboratory Medicine, Sinai Health System
Classification: Likely benign. Review status: no assertion criteria provided. Collection method: clinical testing. Allele origin: unknown. Affected: yes. Observed: 11 variant alleles. Study: The Canadian Open Genetics Repository (COGR). Not counted in ClinVar's aggregate classification.
Comment: The BRCA2 p.Gly2353Arg variant was identified in 6 of 11570 proband chromosomes (frequency: 0.001) from individuals or families with (hereditary) breast and ovarian cancers and prostate cancer (Alsop 2012, Baila 2011, Borg 2010, Claes 2004, Kote-Jarai 2011, Morgan 2010). In a functional assay that evaluated the effect of the transient overexpression of the p.Gly2353Arg variant on spontaneous homologous recombination (HR) in a HeLa cell line, the variant increased HR as much as a pathogenic variant G2748D, which led the authors to classify it as possibly pathogenic (Baila 2011). However Lindor et al (2012) found the variant to be neutral based on a posterior probability model which combines segregation data, co-occurrence with pathogenic mutations, personal and family history of cancer and histopathology to determine a variantâ€šÃ„Ã´s pathogenicity, suggesting a limited specificity of the recombination assay. Guidugli et al. 2014 also report the p.Gly2353Arg variant as â€šÃ„Ãºnot pathogenicâ€šÃ„Ã¹ citing that the Baila study does not measure a known BRCA2 function but rather an error prone repair mechanism such as single strand annealing in the absence of functional BRCA2 and therefore question the application of their assay to measure a BRCA2 variantâ€šÃ„Ã´s function. The variant was identified in dbSNP (ID: rs80358935) with â€šÃ„ÃºOtherâ€šÃ„Ã¹ allele, Clinvitae database (with conflicting classifications), the ClinVar database (with conflicting interpretations of pathogenicity: classified as benign by Invitae, Pathway Genomics and Sharing Clinical Reports Project (derived from Myriad reports), as likely benign by Ambry Genetics, Illumina, and GeneDx, and as uncertain significance by BIC), GeneInsight COGR database (classifications uncertain significance, benign and unclassified â€šÃ„Ãºby 3 clinical laboratories), the BIC database (19x with unknown clinical importance, classification pending), the Fanconi Anemia Mutation Database-LOVD (1x as â€šÃ„Ãºprobably affects function/not classifiedâ€šÃ„Ã¹) and UMD (9x with a â€šÃ„Ã¹unclassified variantâ€šÃ„Ã¹ classification, and co-occurring with 2 pathogenic BRCA1 mutations (c.212+1G>A and c.3612delA, p.Ala1206ProfsX4) increasing the likelihood that the p.Gly2353Arg variant does not have clinical significance. This variant was identified in the NHLBI GO Exome Sequencing Project in 1 of 8600 European American alleles, (frequency: 0.00012) and in the Exome Aggregation Consortium database (August 8, 2016) in 7 of 121030 chromosomes (freq. 00006) and in the Genome Aggregation Consortium (October 3, 2017) in the following populations: Other in 1 of 5472 chromosomes (freq. 0002), Latino in 1 of 33564 chromosomes (freq. 0.00003), and European (Non-Finnish) in 9 of 111462 chromosomes (freq. 0.00008), African in 1 of 15288 chromosomes (freq. 0.00007), but was not seen in the Ashkenazi Jewish, East Asian, European (Finnish), or South Asian populations, increasing the likelihood that this may be a low frequency benign variant in certain populations of origin. Myriad classifies this as a polymorphism (personal communication). The variant was also identified by our laboratory in 3 individuals with breast cancer. The p.Gly2353 residue is not conserved in mammals and 3 out of five computational analyses (PolyPhen-2, SIFT, AlignGVGD, BLOSUM, MutationTaster) do not suggest a high likelihood of impact to the protein; however, this information is not predictive enough to rule out pathogenicity. The variant occurs outside of the splicing consensus sequence and 1 of 5 in silico or computational prediction software programs (SpliceSiteFinder, MaxEntScan, NNSPLICE, GeneSplicer, HumanSpliceFinder) predict a greater than 10% difference in splicing; this is not very predictive of pathogenicity. In summary, based on the above information, the clinical significance of this variant cannot be determined with certainty at this time although we would lean towards a more benign role for this variant. This variant is classified as likely benign.

Genome Diagnostics Laboratory, University Medical Center Utrecht
Classification: Likely benign. Review status: no assertion criteria provided. Collection method: clinical testing. Allele origin: germline. Affected: yes. Study: VKGL Data-share Consensus. Not counted in ClinVar's aggregate classification.

Joint Genome Diagnostic Labs from Nijmegen and Maastricht, Radboudumc and MUMC+
Classification: Benign. Review status: no assertion criteria provided. Collection method: clinical testing. Allele origin: germline. Affected: yes. Study: VKGL Data-share Consensus. Not counted in ClinVar's aggregate classification.

Literature cited by the submitters: PubMed 31131967 (cited by Evidence-based Network for the Interpretation of Germline Mutant Alleles (ENIGMA) and Quest Diagnostics Nichols Institute San Juan Capistrano); PubMed 29988080 (cited by Quest Diagnostics Nichols Institute San Juan Capistrano); PubMed 15026808 (cited by 3 submitters); PubMed 37731132 (cited by Quest Diagnostics Nichols Institute San Juan Capistrano); PubMed 35729312 (cited by Quest Diagnostics Nichols Institute San Juan Capistrano); PubMed 37460928 (cited by Quest Diagnostics Nichols Institute San Juan Capistrano); PubMed 28283652 (cited by Quest Diagnostics Nichols Institute San Juan Capistrano); PubMed 28678401 (cited by Quest Diagnostics Nichols Institute San Juan Capistrano); PubMed 21952622 (cited by 3 submitters); PubMed 32606146 (cited by Quest Diagnostics Nichols Institute San Juan Capistrano); PubMed 32438681 (cited by Quest Diagnostics Nichols Institute San Juan Capistrano); PubMed 33471991 (cited by Quest Diagnostics Nichols Institute San Juan Capistrano); PubMed 20104584 (cited by Quest Diagnostics Nichols Institute San Juan Capistrano and Women's Health and Genetics/Laboratory Corporation of America, LabCorp); PubMed 24728327 (cited by 3 submitters); PubMed 21671020 (cited by 4 submitters); PubMed 24323938 (cited by 3 submitters); PubMed 21520273 (cited by 3 submitters); PubMed 21990134 (cited by 3 submitters); PubMed 22476429 (cited by Quest Diagnostics Nichols Institute San Juan Capistrano and Women's Health and Genetics/Laboratory Corporation of America, LabCorp); PubMed 32444794 (cited by Quest Diagnostics Nichols Institute San Juan Capistrano); PubMed 34597585 (cited by Quest Diagnostics Nichols Institute San Juan Capistrano); PubMed 18403564 (cited by Women's Health and Genetics/Laboratory Corporation of America, LabCorp).